The following is an entry in ClinVar:

ClinVar aggregate classification (germline): Uncertain significance (1 of 4 stars; one submission).

Conditions:
Primary ciliary dyskinesia. Also called: Ciliary dyskinesia. Identifiers: Orphanet 244, MedGen C0008780, MONDO:0016575, HP:0012265.

gnomAD v4.1: 7 of 1,613,750 alleles (0.00043%); highest among the groups gnomAD compares: Non-Finnish European, 0.00059%; no homozygotes.

Submission:

Labcorp Genetics (formerly Invitae), Labcorp
Classification: Uncertain significance for Primary ciliary dyskinesia. Last evaluated: 2025-04-09. Review status: criteria provided, single submitter. Criteria: Invitae Variant Classification Sherloc (09022015). Collection method: clinical testing. Allele origin: germline.
Comment: This sequence change replaces methionine, which is neutral and non-polar, with leucine, which is neutral and non-polar, at codon 3887 of the DNAH11 protein (p.Met3887Leu). This variant is not present in population databases (gnomAD no frequency). This variant has not been reported in the literature in individuals affected with DNAH11-related conditions. Invitae Evidence Modeling of protein sequence and biophysical properties (such as structural, functional, and spatial information, amino acid conservation, physicochemical variation, residue mobility, and thermodynamic stability) indicates that this missense variant is not expected to disrupt DNAH11 protein function with a negative predictive value of 95%. In summary, the available evidence is currently insufficient to determine the role of this variant in disease. Therefore, it has been classified as a Variant of Uncertain Significance.

NM_001277115.2(DNAH11):c.11659A>T (p.Met3887Leu)

Gene: DNAH11 (dynein axonemal heavy chain 11; plus strand). Cytogenetic location: 7p15.3.
Variant type: single nucleotide variant.
Coding change: c.11659A>T on transcript NM_001277115.2 (MANE Select); coding-DNA position 11659, A replaced by T.
Protein change: p.Met3887Leu; replaces methionine 3887 with leucine.
Molecular consequence: missense variant.
Genome position (GRCh38, 1-based): chr7:21,866,632, A>T. VCF-style: chr7-21866632-A-T. GRCh37 (hg19) VCF-style: chr7-21906250-A-T.
Other names: short protein forms M3887L.
Identifiers: ClinVar variation 4742641 (VCV004742641.1).